The following is an entry in ClinVar:

NM_032737.4(LMNB2):c.1202+5G>A

Gene: LMNB2 (lamin B2; minus strand). Cytogenetic location: 19p13.3.
Variant type: single nucleotide variant.
Coding change: c.1202+5G>A on transcript NM_032737.4 (MANE Select); 5 bases into the intron after coding-DNA position 1202, G replaced by A.
Molecular consequence: intron variant.
Genome position (GRCh38, 1-based): chr19:2,434,290, C>T on the plus strand (G>A on the coding strand, the complement: LMNB2 is on the minus strand). VCF-style: chr19-2434290-C-T. GRCh37 (hg19) VCF-style: chr19-2434288-C-T.
Identifiers: ClinVar variation 1410357 (VCV001410357.8), dbSNP rs753219694, ClinGen allele CA9067591.

ClinVar aggregate classification (germline): Uncertain significance. Review status: criteria provided, multiple submitters, no conflicts (2 of 4 stars). 2 submissions from 2 submitters: Uncertain significance (2). Last evaluated 2024-12-02.

Conditions:
Progressive myoclonic epilepsy type 9. Identifiers: Orphanet 457265, MedGen C4225289, MONDO:0014685, OMIM 616540.
Lipodystrophy, partial, acquired, susceptibility to (APLD). Also called: APLD, SUSCEPTIBILITY TO. Identifiers: MedGen C3887501, MONDO:0100476, OMIM 608709.

Allele frequency attached by ClinVar (database versions not stated): gnomAD exomes 0.00001; ExAC 0.00002.
gnomAD v4.1: 2 of 1,612,436 alleles (0.00012%); highest among the groups gnomAD compares: Non-Finnish European, 0.00017%; no homozygotes.

Submissions (3):

Labcorp Genetics (formerly Invitae), Labcorp
Classification: Uncertain significance for Progressive myoclonic epilepsy type 9; Lipodystrophy, partial, acquired, susceptibility to. Last evaluated: 2024-12-02. Review status: criteria provided, single submitter. Criteria: Invitae Variant Classification Sherloc (09022015). Collection method: clinical testing. Allele origin: germline.
Comment: This sequence change falls in intron 7 of the LMNB2 gene. It does not directly change the encoded amino acid sequence of the LMNB2 protein. It affects a nucleotide within the consensus splice site. This variant is present in population databases (rs753219694, gnomAD 0.002%). This variant has not been reported in the literature in individuals affected with LMNB2-related conditions. ClinVar contains an entry for this variant (Variation ID: 1410357). Variants that disrupt the consensus splice site are a relatively common cause of aberrant splicing (PMID: 17576681, 9536098). Algorithms developed to predict the effect of sequence changes on RNA splicing suggest that this variant may disrupt the consensus splice site. In summary, the available evidence is currently insufficient to determine the role of this variant in disease. Therefore, it has been classified as a Variant of Uncertain Significance.

Blueprint Genetics
Classification: Uncertain significance. Last evaluated: 2024-11-20. Review status: criteria provided, single submitter. Criteria: ACMG Guidelines, 2015. Collection method: clinical testing. Allele origin: germline.

Dr. Peter K. Rogan Lab, Western University
No classification provided (evidence only). Condition: Squamous cell carcinoma of the head and neck. Review status: no classification provided. Collection method: in vitro. Allele origin: not applicable. Functional consequence: retained intron. Not counted in ClinVar's aggregate classification.

Literature cited by the submitters: PubMed 17576681 (cited by Labcorp Genetics (formerly Invitae), Labcorp); PubMed 9536098 (cited by Labcorp Genetics (formerly Invitae), Labcorp).